The following is an entry in ClinVar:

NM_004415.4(DSP):c.1903+57G>A

Gene: DSP (desmoplakin; plus strand). Cytogenetic location: 6p24.3.
Variant type: single nucleotide variant.
Coding change: c.1903+57G>A on transcript NM_004415.4 (MANE Select); 57 bases into the intron after coding-DNA position 1903, G replaced by A.
Molecular consequence: intron variant.
Genome position (GRCh38, 1-based): chr6:7,571,641, G>A. VCF-style: chr6-7571641-G-A. GRCh37 (hg19) VCF-style: chr6-7571874-G-A.
Other names: c.1903+57G>A (NM_001319034.2, NM_001008844.3).
Identifiers: ClinVar variation 671015 (VCV000671015.1), dbSNP rs926411, ClinGen allele CA12364939.
Genomic context (GRCh38, chr6:7,571,641, plus strand): 5'-ACAGGTCGGCTTGGGACATCTTTCTCTTTGTATCAACCATCCATACCATTTTAAAAAGAA[G>A]GGAGTTTGCATAAAACTGGTTTCAGAACCATTTCTCTGAATGCTATATAGCCAGTGTTCT-3'

ClinVar aggregate classification (germline): Benign (1 of 4 stars; one submission).

Allele frequency attached by ClinVar (database versions not stated): 1000 Genomes Project 0.81969; 1000 Genomes Project 30x 0.82167; gnomAD 0.82445 and 0.82995; TOPMed 0.84100.
gnomAD v4.1: 1,247,066 of 1,608,708 alleles (78%); highest among the groups gnomAD compares: African/African-American, 96%; 485,931 homozygotes.

Submission:

GeneDx
Classification: Benign. Last evaluated: 2018-06-13. Review status: criteria provided, single submitter. Criteria: GeneDx Variant Classification (06012015). Collection method: clinical testing. Allele origin: germline. Affected: yes.
Comment: This variant is considered likely benign or benign based on one or more of the following criteria: it is a conservative change, it occurs at a poorly conserved position in the protein, it is predicted to be benign by multiple in silico algorithms, and/or has population frequency not consistent with disease.